The following is an entry in ClinVar:

NM_052876.4(NACC1):c.272G>T (p.Ser91Ile)

Gene: NACC1 (nucleus accumbens associated 1; plus strand). Cytogenetic location: 19p13.13.
Variant type: single nucleotide variant.
Coding change: c.272G>T on transcript NM_052876.4 (MANE Select); coding-DNA position 272, G replaced by T.
Protein change: p.Ser91Ile; replaces serine 91 with isoleucine.
Molecular consequence: missense variant.
Genome position (GRCh38, 1-based): chr19:13,135,479, G>T. VCF-style: chr19-13135479-G-T. GRCh37 (hg19) VCF-style: chr19-13246293-G-T.
Other names: short protein forms S91I.
Identifiers: ClinVar variation 3349641 (VCV003349641.1).

ClinVar aggregate classification (germline): Uncertain significance (0 of 4 stars; one submission).

Conditions:
NACC1-related disorder. Also called: NACC1-related condition.

Submission:

PreventionGenetics, part of Exact Sciences
Classification: Uncertain significance for NACC1-related condition. Last evaluated: 2024-03-20. Review status: no assertion criteria provided. Collection method: clinical testing. Allele origin: germline.
Comment: The NACC1 c.272G>T variant is predicted to result in the amino acid substitution p.Ser91Ile. To our knowledge, this variant has not been reported in the literature or in a large population database, indicating this variant is rare. At this time, the clinical significance of this variant is uncertain due to the absence of conclusive functional and genetic evidence.